The following is an entry in ClinVar:

ClinVar aggregate classification (germline): Pathogenic (1 of 4 stars; one submission).

Submission:

CeGaT Center for Human Genetics Tuebingen
Classification: Pathogenic. Last evaluated: 2023-02-01. Review status: criteria provided, single submitter. Criteria: CeGaT Center For Human Genetics Tuebingen Variant Classification Criteria Version 2. Collection method: clinical testing. Allele origin: germline. Affected: yes. Observed: 1 variant allele.
Comment: LZTR1: PVS1, PM2

NM_006767.4(LZTR1):c.1468_1471del (p.Ala490fs)

Gene: LZTR1 (leucine zipper like post translational regulator 1; plus strand). Cytogenetic location: 22q11.21.
Variant type: Deletion.
Coding change: c.1468_1471del on transcript NM_006767.4 (MANE Select); coding-DNA positions 1468 to 1471, 4 bases deleted (GCCC; older notation c.1468_1471delGCCC).
Protein change: p.Ala490fs; shifts the reading frame from alanine 490.
Molecular consequence: frameshift variant.
Genome position (GRCh38, 1-based): chr22:20,994,122-20,994,125, GCCC deleted; deleting any 4 consecutive bases within chr22:20,994,120-20,994,125 gives the same sequence; the c. name uses the placement nearest the transcript's 3' end. VCF-style (leftmost placement, unchanged base first): chr22-20994119-GCCGC-G. GRCh37 (hg19) VCF-style: chr22-21348408-GCCGC-G.
Other names: short protein forms A490fs.
Identifiers: ClinVar variation 2498902 (VCV002498902.28), dbSNP rs2518620730, ClinGen allele CA2580099183.